The following is an entry in ClinVar:

NM_170682.4(P2RX2):c.1345G>T (p.Val449Leu)

Gene: P2RX2 (purinergic receptor P2X 2; plus strand). Cytogenetic location: 12q24.33.
Variant type: single nucleotide variant.
Coding change: c.1345G>T on transcript NM_170682.4 (MANE Select); coding-DNA position 1345, G replaced by T.
Protein change: p.Val449Leu; replaces valine 449 with leucine.
Molecular consequence: missense variant. On other transcripts: 3 prime UTR variant (1).
Genome position (GRCh38, 1-based): chr12:132,621,901, G>T. VCF-style: chr12-132621901-G-T. GRCh37 (hg19) VCF-style: chr12-133198487-G-T.
Other names: c.1144G>T (NM_174873.2); c.1042G>T, p.Val348Leu (NM_001282164.2); c.*392G>T (NM_001282165.2); c.1129G>T, p.Val377Leu (NM_012226.5); c.1273G>T, p.Val425Leu (NM_016318.4); c.1423G>T, p.Val475Leu (NM_170683.4); c.1069G>T, p.Val357Leu (NM_174872.3); c.1144G>T, p.Val382Leu (NM_174873.3); short protein forms V357L, V377L, V382L, V425L, V449L, V348L, V475L.
Identifiers: ClinVar variation 1350372 (VCV001350372.6), dbSNP rs2138402876, ClinGen allele CA387363973.

ClinVar aggregate classification (germline): Uncertain significance. Review status: criteria provided, multiple submitters, no conflicts (2 of 4 stars). 2 submissions from 2 submitters: Uncertain significance (2). Last evaluated 2024-02-17.

Submissions (2):

Labcorp Genetics (formerly Invitae), Labcorp
Classification: Uncertain significance. Last evaluated: 2024-02-17. Review status: criteria provided, single submitter. Criteria: Invitae Variant Classification Sherloc (09022015). Collection method: clinical testing. Allele origin: germline.
Comment: This sequence change replaces valine, which is neutral and non-polar, with leucine, which is neutral and non-polar, at codon 382 of the P2RX2 protein (p.Val382Leu). This variant is not present in population databases (gnomAD no frequency). This variant has not been reported in the literature in individuals affected with P2RX2-related conditions. ClinVar contains an entry for this variant (Variation ID: 1350372). An algorithm developed to predict the effect of missense changes on protein structure and function (PolyPhen-2) suggests that this variant is likely to be tolerated. In summary, the available evidence is currently insufficient to determine the role of this variant in disease. Therefore, it has been classified as a Variant of Uncertain Significance.

GeneDx
Classification: Uncertain significance. Last evaluated: 2022-10-14. Review status: criteria provided, single submitter. Criteria: GeneDx Variant Classification Process June 2021. Collection method: clinical testing. Allele origin: germline. Affected: yes.
Comment: Not observed at significant frequency in large population cohorts (gnomAD); In silico analysis supports that this missense variant does not alter protein structure/function; Has not been previously published as pathogenic or benign to our knowledge